The following is an entry in ClinVar:

ClinVar aggregate classification (germline): Conflicting classifications of pathogenicity. Review status: criteria provided, conflicting classifications (1 of 4 stars). 3 submissions from 3 submitters: Uncertain significance (1); Likely benign (2). Last evaluated 2026-01-19.

Conditions:
ITGB4-related disorder. Also called: ITGB4-related condition.
Junctional epidermolysis bullosa with pyloric atresia. Also called: APLASIA CUTIS CONGENITA WITH GASTROINTESTINAL ATRESIA; EPIDERMOLYSIS BULLOSA, JUNCTIONAL 5B, WITH PYLORIC ATRESIA; Epidermolysis bullosa, junctional, with pyloric atresia and aplasia cutis congenita; Epidermolysis bullosa junctionalis with pyloric atresia; Junctional Epidermolysis Bullosa- Pyloric Atresia Syndrome; EB-PA-ACC. Identifiers: Orphanet 79403, MedGen C5676875, MONDO:0009183, OMIM 226730.

Allele frequency attached by ClinVar (database versions not stated): gnomAD 0.00005 and 0.00006; ESP Exome Variant Server 0.00008; gnomAD exomes 0.00009 and 0.00011; TOPMed 0.00009; ExAC 0.00020.
gnomAD v4.1: 139 of 1,589,650 alleles (0.0087%); highest among the groups gnomAD compares: Admixed American, 0.034%; no homozygotes.

Submissions (3):

Labcorp Genetics (formerly Invitae), Labcorp
Classification: Likely benign. Last evaluated: 2026-01-19. Review status: criteria provided, single submitter. Criteria: Invitae Variant Classification Sherloc (09022015). Collection method: clinical testing. Allele origin: germline.

PreventionGenetics, part of Exact Sciences
Classification: Likely benign for ITGB4-related condition. Last evaluated: 2025-11-17. Review status: criteria provided, single submitter. Criteria: ACMG Guidelines, 2015. Collection method: clinical testing. Allele origin: germline.
Comment: This variant is classified as likely benign based on ACMG/AMP sequence variant interpretation guidelines (Richards et al. 2015 PMID: 25741868, with internal and published modifications).

Illumina Laboratory Services, Illumina
Classification: Uncertain significance for Junctional epidermolysis bullosa with pyloric atresia. Last evaluated: 2018-01-13. Review status: criteria provided, single submitter. Criteria: ICSL Variant Classification Criteria 13 December 2019. Collection method: clinical testing. Allele origin: germline.

NM_000213.5(ITGB4):c.2025C>T (p.Asp675=)

Gene: ITGB4 (integrin subunit beta 4; plus strand). Cytogenetic location: 17q25.1.
Variant type: single nucleotide variant.
Coding change: c.2025C>T on transcript NM_000213.5 (MANE Select); coding-DNA position 2025, C replaced by T.
Protein change: p.Asp675=; no amino-acid change (aspartic acid 675 retained).
Molecular consequence: synonymous variant.
Genome position (GRCh38, 1-based): chr17:75,737,356, C>T. VCF-style: chr17-75737356-C-T. GRCh37 (hg19) VCF-style: chr17-73733437-C-T.
Other names: c.2025C>T, p.Asp675= (NM_001005619.2, NM_001005731.3, NM_001321123.2); c.2025C>T (NM_000213.4).
Identifiers: ClinVar variation 325158 (VCV000325158.9), dbSNP rs202097958, ClinGen allele CA8769233.